The following is an entry in ClinVar:

ClinVar aggregate classification (germline): Uncertain significance. Review status: criteria provided, multiple submitters, no conflicts (2 of 4 stars). 3 submissions from 3 submitters: Uncertain significance (3). Last evaluated 2026-09-01.

Conditions:
Familial thoracic aortic aneurysm and aortic dissection (TAAD). Also called: Thoracic aortic aneurysms and dissections. Identifiers: Orphanet 91387, MedGen C4707243, MONDO:0019625.
Aortic aneurysm, familial thoracic 6 (AAT6). Also called: FAMILIAL THORACIC AORTIC ANEURYSM WITH LIVEDO RETICULARIS AND IRIS FLOCCULI. Identifiers: MedGen C2673186, MONDO:0012730, OMIM 611788.

Submissions (3):

GeneDx
Classification: Uncertain significance. Last evaluated: 2026-09-01. Review status: criteria provided, single submitter. Criteria: GeneDx Variant Classification Process June 2021. Collection method: clinical testing. Allele origin: germline.
Comment: Not observed at significant frequency in large population cohorts (gnomAD); In silico analysis supports that this missense variant has a deleterious effect on protein structure/function; Has not been previously published as pathogenic or benign to our knowledge

Labcorp Genetics (formerly Invitae), Labcorp
Classification: Uncertain significance for Aortic aneurysm, familial thoracic 6. Last evaluated: 2024-07-23. Review status: criteria provided, single submitter. Criteria: Invitae Variant Classification Sherloc (09022015). Collection method: clinical testing. Allele origin: germline.
Comment: This sequence change replaces histidine, which is basic and polar, with asparagine, which is neutral and polar, at codon 75 of the ACTA2 protein (p.His75Asn). This variant is not present in population databases (gnomAD no frequency). This variant has not been reported in the literature in individuals affected with ACTA2-related conditions. ClinVar contains an entry for this variant (Variation ID: 1054571). Advanced modeling of protein sequence and biophysical properties (such as structural, functional, and spatial information, amino acid conservation, physicochemical variation, residue mobility, and thermodynamic stability) performed at Invitae indicates that this missense variant is not expected to disrupt ACTA2 protein function with a negative predictive value of 80%. In summary, the available evidence is currently insufficient to determine the role of this variant in disease. Therefore, it has been classified as a Variant of Uncertain Significance.

Ambry Genetics
Classification: Uncertain significance for Familial thoracic aortic aneurysm and aortic dissection. Last evaluated: 2022-04-13. Review status: criteria provided, single submitter. Criteria: Ambry Variant Classification Scheme 2023. Collection method: clinical testing. Allele origin: germline.
Comment: The p.H75N variant (also known as c.223C>A), located in coding exon 2 of the ACTA2 gene, results from a C to A substitution at nucleotide position 223. The histidine at codon 75 is replaced by asparagine, an amino acid with similar properties. This amino acid position is highly conserved in available vertebrate species. In addition, this alteration is predicted to be deleterious by in silico analysis. Since supporting evidence is limited at this time, the clinical significance of this alteration remains unclear.

NM_001613.4(ACTA2):c.223C>A (p.His75Asn)

Gene: ACTA2 (actin alpha 2, smooth muscle; minus strand). Cytogenetic location: 10q23.31.
Variant type: single nucleotide variant.
Coding change: c.223C>A on transcript NM_001613.4 (MANE Select); coding-DNA position 223, C replaced by A.
Protein change: p.His75Asn; replaces histidine 75 with asparagine.
Molecular consequence: missense variant.
Genome position (GRCh38, 1-based): chr10:88,947,293, G>T on the plus strand (C>A on the coding strand, the complement: ACTA2 is on the minus strand). VCF-style: chr10-88947293-G-T. GRCh37 (hg19) VCF-style: chr10-90707050-G-T.
Other names: c.223C>A, p.His75Asn (NM_001141945.3, NM_001320855.2, NM_001406462.1 and 4 more transcripts); short protein forms H75N.
Identifiers: ClinVar variation 1054571 (VCV001054571.14), dbSNP rs2133269905, ClinGen allele CA377513358.
Genomic context (GRCh38, chr10:88,947,293, plus strand): 5'-CCAAGCTGCAGCAAACCTCCCATACCTTTTCCATGTCGTCCCAGTTGGTGATGATGCCAT[G>T]TTCTATCGGGTACTTCAGGGTCAGGATTCCTCTTTTGCTCTGTGCTTCGTCACCCACGTA-3'
Protein context (NP_001604.1, residues 65-85): GILTLKYPIE[His75Asn]GIITNWDDME